The following is an entry in ClinVar:

NM_001378964.1(CDON):c.3249T>G (p.Asp1083Glu)

Gene: CDON (cell adhesion associated, oncogene regulated; minus strand). Cytogenetic location: 11q24.2.
Variant type: single nucleotide variant.
Coding change: c.3249T>G on transcript NM_001378964.1 (MANE Select); coding-DNA position 3249, T replaced by G.
Protein change: p.Asp1083Glu; replaces aspartic acid 1083 with glutamic acid.
Molecular consequence: missense variant.
Genome position (GRCh38, 1-based): chr11:125,981,076, A>C on the plus strand (T>G on the coding strand, the complement: CDON is on the minus strand). VCF-style: chr11-125981076-A-C. GRCh37 (hg19) VCF-style: chr11-125850971-A-C.
Other names: c.3249T>G, p.Asp1083Glu (NM_001243597.3, NM_016952.6); short protein forms D1083E.
Identifiers: ClinVar variation 3650115 (VCV003650115.3).
Genomic context (GRCh38, chr11:125,981,076, plus strand): 5'-AGAGGGGCTTTTATTTATAGTTAGGTCTCTTACATTCACTAGATGATGAGGATGTTCAAA[A>C]TCCACGTGTGTCCTGGTTAGAGAGTTGCTGTGCCCGGAGTAAAGCCCTCCATTTAGGCTC-3'
Protein context (NP_001365893.1, residues 1073-1093): HSNSLTRTHV[Asp1083Glu]FEHPHHLVNG

ClinVar aggregate classification (germline): Uncertain significance. Review status: criteria provided, multiple submitters, no conflicts (2 of 4 stars). 2 submissions from 2 submitters: Uncertain significance (2). Last evaluated 2025-02-10.

Conditions:
Holoprosencephaly 11 (HPE11). Identifiers: Orphanet 2162, MedGen C3280215, MONDO:0013642, OMIM 614226.
Inborn genetic diseases. Identifiers: MedGen C0950123, MeSH D030342.

Submissions (2):

Ambry Genetics
Classification: Uncertain significance for Inborn genetic diseases. Last evaluated: 2025-02-10. Review status: criteria provided, single submitter. Criteria: Ambry Variant Classification Scheme 2023. Collection method: clinical testing. Allele origin: germline.

Labcorp Genetics (formerly Invitae), Labcorp
Classification: Uncertain significance for Holoprosencephaly 11. Last evaluated: 2024-05-10. Review status: criteria provided, single submitter. Criteria: Invitae Variant Classification Sherloc (09022015). Collection method: clinical testing. Allele origin: germline.
Comment: This sequence change replaces aspartic acid, which is acidic and polar, with glutamic acid, which is acidic and polar, at codon 1083 of the CDON protein (p.Asp1083Glu). This variant is not present in population databases (gnomAD no frequency). This variant has not been reported in the literature in individuals affected with CDON-related conditions. Advanced modeling of protein sequence and biophysical properties (such as structural, functional, and spatial information, amino acid conservation, physicochemical variation, residue mobility, and thermodynamic stability) performed at Invitae indicates that this missense variant is not expected to disrupt CDON protein function with a negative predictive value of 80%. In summary, the available evidence is currently insufficient to determine the role of this variant in disease. Therefore, it has been classified as a Variant of Uncertain Significance.